The following is an entry in ClinVar:

ClinVar aggregate classification (germline): Likely pathogenic (1 of 4 stars; one submission).

Submission:

Labcorp Genetics (formerly Invitae), Labcorp
Classification: Likely pathogenic. Last evaluated: 2023-11-13. Review status: criteria provided, single submitter. Criteria: Invitae Variant Classification Sherloc (09022015). Collection method: clinical testing. Allele origin: germline.
Comment: This sequence change replaces leucine, which is neutral and non-polar, with glutamine, which is neutral and polar, at codon 2058 of the ABCA4 protein (p.Leu2058Gln). This variant is not present in population databases (gnomAD no frequency). This variant has not been reported in the literature in individuals affected with ABCA4-related conditions. Advanced modeling of protein sequence and biophysical properties (such as structural, functional, and spatial information, amino acid conservation, physicochemical variation, residue mobility, and thermodynamic stability) performed at Invitae indicates that this missense variant is expected to disrupt ABCA4 protein function with a positive predictive value of 95%. This variant disrupts the p.Leu2058 amino acid residue in ABCA4. Other variant(s) that disrupt this residue have been determined to be pathogenic (PMID: 26161775). This suggests that this residue is clinically significant, and that variants that disrupt this residue are likely to be disease-causing. In summary, the currently available evidence indicates that the variant is pathogenic, but additional data are needed to prove that conclusively. Therefore, this variant has been classified as Likely Pathogenic.

Literature cited by the submitters: PubMed 26161775.

NM_000350.3(ABCA4):c.6173T>A (p.Leu2058Gln)

Gene: ABCA4 (ATP binding cassette subfamily A member 4; minus strand). Cytogenetic location: 1p22.1.
Variant type: single nucleotide variant.
Coding change: c.6173T>A on transcript NM_000350.3 (MANE Select); coding-DNA position 6173, T replaced by A.
Protein change: p.Leu2058Gln; replaces leucine 2058 with glutamine.
Molecular consequence: missense variant.
Genome position (GRCh38, 1-based): chr1:94,001,967, A>T on the plus strand (T>A on the coding strand, the complement: ABCA4 is on the minus strand). VCF-style: chr1-94001967-A-T. GRCh37 (hg19) VCF-style: chr1-94467523-A-T.
Other names: c.5951T>A, p.Leu1984Gln (NM_001425324.1); short protein forms L2058Q, L1984Q.
Identifiers: ClinVar variation 2824182 (VCV002824182.3), dbSNP rs2523628325, ClinGen allele CA341278341.
Genomic context (GRCh38, chr1:94,001,967, plus strand): 5'-TTCCGCTTGTTGCCCCCACTGTACGTGCCAGCCAGGCAGTCGGCGTAGACAGTCAGGCCC[A>T]GGCTCTTAATACTCCAGTTTGCAACCTAGGGAAGAGAAAGAAATGCCATTTGGAGAAGAC-3'
Protein context (NP_000341.2, residues 2048-2068): EKVANWSIKS[Leu2058Gln]GLTVYADCLA